The following is an entry in ClinVar:

NM_014244.5(ADAMTS2):c.685A>G (p.Thr229Ala)

Gene: ADAMTS2 (ADAM metallopeptidase with thrombospondin type 1 motif 2; minus strand). Cytogenetic location: 5q35.3.
Variant type: single nucleotide variant.
Coding change: c.685A>G on transcript NM_014244.5 (MANE Select); coding-DNA position 685, A replaced by G.
Protein change: p.Thr229Ala; replaces threonine 229 with alanine.
Molecular consequence: missense variant.
Genome position (GRCh38, 1-based): chr5:179,272,914, T>C on the plus strand (A>G on the coding strand, the complement: ADAMTS2 is on the minus strand). VCF-style: chr5-179272914-T-C. GRCh37 (hg19) VCF-style: chr5-178699915-T-C.
Other names: c.685A>G, p.Thr229Ala (NM_021599.4); short protein forms T229A.
Identifiers: ClinVar variation 3020271 (VCV003020271.3), dbSNP rs773428836, ClinGen allele CA3596229.

ClinVar aggregate classification (germline): Uncertain significance (1 of 4 stars; one submission).

Conditions:
Ehlers-Danlos syndrome, dermatosparaxis type. Also called: EDS VIIC; Ehlers-Danlos syndrome, type VII, autosomal recessive; Dermatosparaxis. Identifiers: Orphanet 1901, MedGen C2700425, MONDO:0009161, OMIM 225410.

Allele frequency attached by ClinVar (database versions not stated): TOPMed below 0.00001; gnomAD 0.00001; ExAC 0.00002.
gnomAD v4.1: 8 of 1,609,116 alleles (0.0005%); highest among the groups gnomAD compares: Admixed American, 0.0017%; no homozygotes.

Submission:

Labcorp Genetics (formerly Invitae), Labcorp
Classification: Uncertain significance for Ehlers-Danlos syndrome, dermatosparaxis type. Last evaluated: 2024-04-05. Review status: criteria provided, single submitter. Criteria: Invitae Variant Classification Sherloc (09022015). Collection method: clinical testing. Allele origin: germline.
Comment: This sequence change replaces threonine, which is neutral and polar, with alanine, which is neutral and non-polar, at codon 229 of the ADAMTS2 protein (p.Thr229Ala). This variant is present in population databases (rs773428836, gnomAD 0.003%). This variant has not been reported in the literature in individuals affected with ADAMTS2-related conditions. An algorithm developed to predict the effect of missense changes on protein structure and function (PolyPhen-2) suggests that this variant is likely to be tolerated. In summary, the available evidence is currently insufficient to determine the role of this variant in disease. Therefore, it has been classified as a Variant of Uncertain Significance.